The following is an entry in ClinVar:

ClinVar aggregate classification (germline): Conflicting classifications of pathogenicity. Review status: criteria provided, conflicting classifications (1 of 4 stars). 4 submissions from 4 submitters: Uncertain significance (3); Likely benign (1). Last evaluated 2025-12-29.

Conditions:
Hereditary cancer-predisposing syndrome. Also called: Hereditary Cancer Syndrome; Hereditary neoplastic syndrome; Neoplastic Syndromes, Hereditary; Tumor predisposition. Identifiers: Orphanet 140162, MedGen C0027672, MeSH D009386, MONDO:0015356.
Familial adenomatous polyposis 2. Also called: MUTYH-associated polyposis; MUTYH-related attenuated familial adenomatous polyposis; FAP type 2; Adenomas, multiple colorectal; MYH-associated polyposis; MUTYH Polyposis. Identifiers: Orphanet 220460, Orphanet 247798, MedGen C3272841, MONDO:0012041, OMIM 608456.

Submissions (4):

Center for Genomic Medicine, Rigshospitalet, Copenhagen University Hospital
Classification: Uncertain significance. Last evaluated: 2025-12-29. Review status: criteria provided, single submitter. Criteria: ACMG Guidelines, 2015. Collection method: clinical testing. Allele origin: germline.
Comment: Classification criteria: PM2_supporting, PP3

Color Diagnostics, LLC DBA Color Health
Classification: Uncertain significance for Hereditary cancer-predisposing syndrome. Last evaluated: 2025-10-02. Review status: criteria provided, single submitter. Criteria: ACMG Guidelines, 2015. Collection method: clinical testing. Allele origin: germline.
Comment: This synonymous variant causes a nucleotide substitution but does not change the encoded amino acid at codon 462 of the MUTYH protein. Splice site prediction tools suggest that this variant may impact RNA splicing. To our knowledge, RNA studies have not been reported for this variant. This variant has not been reported in individuals affected with MUTYH-related disorders in the literature. This variant has not been identified in the general population by the Genome Aggregation Database (gnomAD). The available evidence is insufficient to determine the role of this variant in disease conclusively. Therefore, this variant is classified as a Variant of Uncertain Significance.

Labcorp Genetics (formerly Invitae), Labcorp
Classification: Uncertain significance for Familial adenomatous polyposis 2. Last evaluated: 2023-03-26. Review status: criteria provided, single submitter. Criteria: Invitae Variant Classification Sherloc (09022015). Collection method: clinical testing. Allele origin: germline.
Comment: ClinVar contains an entry for this variant (Variation ID: 1771413). In summary, the available evidence is currently insufficient to determine the role of this variant in disease. Therefore, it has been classified as a Variant of Uncertain Significance. Algorithms developed to predict the effect of sequence changes on RNA splicing suggest that this variant may create or strengthen a splice site. This variant has not been reported in the literature in individuals affected with MUTYH-related conditions. This variant is not present in population databases (gnomAD no frequency). This sequence change affects codon 462 of the MUTYH mRNA. It is a 'silent' change, meaning that it does not change the encoded amino acid sequence of the MUTYH protein.

Ambry Genetics
Classification: Likely benign for Hereditary cancer-predisposing syndrome. Last evaluated: 2015-10-29. Review status: criteria provided, single submitter. Criteria: Ambry Variant Classification Scheme 2023. Collection method: clinical testing. Allele origin: germline.

NM_001048174.2(MUTYH):c.1302G>A (p.Gly434=)

Gene: MUTYH (mutY DNA glycosylase; minus strand). Cytogenetic location: 1p34.1.
Variant type: single nucleotide variant.
Coding change: c.1302G>A on transcript NM_001048174.2 (MANE Select); coding-DNA position 1302, G replaced by A.
Protein change: p.Gly434=; no amino-acid change (glycine 434 retained).
Molecular consequence: synonymous variant. On other transcripts: non-coding transcript variant (7).
Genome position (GRCh38, 1-based): chr1:45,331,272, C>T on the plus strand (G>A on the coding strand, the complement: MUTYH is on the minus strand). VCF-style: chr1-45331272-C-T. GRCh37 (hg19) VCF-style: chr1-45796944-C-T.
Other names: c.1302G>A, p.Gly434= (NM_001048171.2, NM_001048173.2, NM_001293195.2 and 6 more transcripts); c.1305G>A, p.Gly435= (NM_001048172.2, NM_001407071.1, NM_001407078.1 and 1 more transcripts); c.1386G>A, p.Gly462= (NM_001128425.2); c.1347G>A, p.Gly449= (NM_001293190.2); c.1335G>A, p.Gly445= (NM_001293191.2, NM_001407069.1, NM_001407077.1); c.1026G>A, p.Gly342= (NM_001293192.2, NM_001293196.2, NM_001407091.1); c.957G>A, p.Gly319= (NM_001350650.2, NM_001350651.2, NM_001407082.1); c.1218G>A, p.Gly406= (NM_001407075.1); and 5 more.
Identifiers: ClinVar variation 1771413 (VCV001771413.7), dbSNP rs2149113333, ClinGen allele CA417702098.
Genomic context (GRCh38, chr1:45,331,272, plus strand): 5'-GTGAAATTCCTCCTGCGTCAGCCAGCGAGCACCTGGTGGTACGGTGGTCACTGGGGTCTG[C>T]CCTTCCAAGGCCAGCCCATATACTTGATATGTCAGCTTGATGTGAGAGAAGGTGTGGACA-3'
Protein context (NP_001041639.1, residues 424-444): TYQVYGLALE[Gly434=]QTPVTTVPPG